The following is an entry in ClinVar:

NM_000722.4(CACNA2D1):c.1273-12T>C

Genes: CACNA2D1 (calcium voltage-gated channel auxiliary subunit alpha2delta 1; minus strand), CACNA2D1-AS1 (CACNA2D1 antisense RNA 1; plus strand). Cytogenetic location: 7q21.11.
Variant type: single nucleotide variant.
Coding change: c.1273-12T>C on transcript NM_000722.4 (MANE Select); 12 bases into the intron before coding-DNA position 1273, T replaced by C.
Molecular consequence: intron variant.
Genome position (GRCh38, 1-based): chr7:82,012,255, A>G on the plus strand (T>C on the coding strand, the complement: CACNA2D1 is on the minus strand). VCF-style: chr7-82012255-A-G. GRCh37 (hg19) VCF-style: chr7-81641571-A-G.
Other names: c.1273-12T>C (LRG_437t1, NM_001366867.1).
Identifiers: ClinVar variation 390097 (VCV000390097.4), dbSNP rs560674806, ClinGen allele CA4318088.

ClinVar aggregate classification (germline): Likely benign. Review status: criteria provided, multiple submitters, no conflicts (2 of 4 stars). 2 submissions from 2 submitters: Likely benign (2). Last evaluated 2024-12-05.

Conditions:
Brugada syndrome. Also called: Sudden unexplained nocturnal death syndrome; Sudden Unexplained Death Syndrome; Sudden Unexplained Nocturnal Death Syndrome (SUNDS); Sudden unexpected nocturnal death syndrome. Identifiers: Orphanet 130, MedGen C1142166, MONDO:0015263.

Allele frequency attached by ClinVar (database versions not stated): TOPMed 0.00013; gnomAD 0.00026 and 0.00032; gnomAD exomes 0.00053; 1000 Genomes Project 0.00160; ExAC 0.07895.
gnomAD v4.1: 236 of 472,854 alleles (0.05%); highest among the groups gnomAD compares: East Asian, 0.14%; no homozygotes.

Submissions (2):

Labcorp Genetics (formerly Invitae), Labcorp
Classification: Likely benign for Brugada syndrome. Last evaluated: 2024-12-05. Review status: criteria provided, single submitter. Criteria: Invitae Variant Classification Sherloc (09022015). Collection method: clinical testing. Allele origin: germline.

GeneDx
Classification: Likely benign. Last evaluated: 2016-10-20. Review status: criteria provided, single submitter. Criteria: GeneDx Variant Classification (06012015). Collection method: clinical testing. Allele origin: germline. Affected: yes.
Comment: This variant is considered likely benign or benign based on one or more of the following criteria: it is a conservative change, it occurs at a poorly conserved position in the protein, it is predicted to be benign by multiple in silico algorithms, and/or has population frequency not consistent with disease.